The following is an entry in ClinVar:

ClinVar aggregate classification (germline): Uncertain significance (1 of 4 stars; one submission).

Submission:

GeneDx
Classification: Uncertain significance. Last evaluated: 2022-12-15. Review status: criteria provided, single submitter. Criteria: GeneDx Variant Classification Process June 2021. Collection method: clinical testing. Allele origin: germline. Affected: yes.
Comment: In-frame deletion of 1 amino acids in a non-repeat region; Not observed at significant frequency in large population cohorts (gnomAD); In silico analysis supports a deleterious effect on protein structure/function; Has not been previously published as pathogenic or benign to our knowledge

NM_001005271.3(CHD3):c.84CGA[1] (p.Asp29del)

Genes: CHD3 (chromodomain helicase DNA binding protein 3; plus strand), NAA38 (N-alpha-acetyltransferase 38, NatC auxiliary subunit; minus strand). Cytogenetic location: 17p13.1.
Variant type: Microsatellite.
Coding change: c.84CGA[1] on transcript NM_001005271.3; one copy of the 3-base unit CGA starting at c.84; the reference has two copies in a row; one copy, 3 bases deleted.
Protein change: p.Asp29del; deletes aspartic acid 29.
Molecular consequence: inframe deletion. On other transcripts: intron variant (1).
Genome position (GRCh38, 1-based): chr17:7,884,893-7,884,895, CGA deleted; deleting any 3 consecutive bases within chr17:7,884,890-7,884,895 gives the same sequence; the position shown is the placement nearest the transcript's 3' end. VCF-style (leftmost placement, unchanged base first): chr17-7884889-GCGA-G. GRCh37 (hg19) VCF-style: chr17-7788207-GCGA-G.
Other names: c.84CGA[1], p.Asp29del (NM_001437504.1, NM_001437507.1, NM_001437508.1 and 1 more transcripts); c.-167+273_-167+275del (NM_001330111.2); short protein forms D29del.
Identifiers: ClinVar variation 2505752 (VCV002505752.1), dbSNP rs2544589498, ClinGen allele CA2580613995.